The following is an entry in ClinVar:

NM_001267550.2(TTN):c.81199C>T (p.Gln27067Ter)

Genes: TTN (titin; minus strand), TTN-AS1 (TTN antisense RNA 1; plus strand). Cytogenetic location: 2q31.2.
Variant type: single nucleotide variant.
Coding change: c.81199C>T on transcript NM_001267550.2 (MANE Select); coding-DNA position 81199, C replaced by T.
Protein change: p.Gln27067Ter; replaces glutamine 27067 with a stop codon.
Molecular consequence: nonsense.
Genome position (GRCh38, 1-based): chr2:178,564,933, G>A on the plus strand (C>T on the coding strand, the complement: TTN is on the minus strand). VCF-style: chr2-178564933-G-A. GRCh37 (hg19) VCF-style: chr2-179429660-G-A.
Other names: c.76276C>T, p.Gln25426Ter (NM_001256850.1); c.54004C>T, p.Gln18002Ter (NM_003319.4); c.73495C>T, p.Gln24499Ter (NM_133378.4); c.54379C>T, p.Gln18127Ter (NM_133432.3); c.54580C>T, p.Gln18194Ter (NM_133437.4); short protein forms Q18194*, Q24499*, Q18002*, Q27067*, Q18127*, Q25426*.
Identifiers: ClinVar variation 2942711 (VCV002942711.5), dbSNP rs1315059139, ClinGen allele CA349582717.

ClinVar aggregate classification (germline): Likely pathogenic. Review status: criteria provided, multiple submitters, no conflicts (2 of 4 stars). 2 submissions from 2 submitters: Likely pathogenic (2). Last evaluated 2022-12-26.

Conditions:
Dilated cardiomyopathy 1G (CMD1G). Identifiers: Orphanet 154, MedGen C1858763, MONDO:0011400, OMIM 604145.
Autosomal recessive limb-girdle muscular dystrophy type 2J (LGMDR10). Also called: MUSCULAR DYSTROPHY, LIMB-GIRDLE, AUTOSOMAL RECESSIVE 10; Limb-girdle muscular dystrophy, type 2J. Identifiers: Orphanet 140922, MedGen C1837342, MONDO:0012127, OMIM 608807.

Submissions (2):

Labcorp Genetics (formerly Invitae), Labcorp
Classification: Likely pathogenic for Dilated cardiomyopathy 1G; Autosomal recessive limb-girdle muscular dystrophy type 2J. Last evaluated: 2022-12-26. Review status: criteria provided, single submitter. Criteria: Invitae Variant Classification Sherloc (09022015). Collection method: clinical testing. Allele origin: germline.
Comment: This variant has not been reported in the literature in individuals affected with TTN-related conditions. In summary, the currently available evidence indicates that the variant is pathogenic, but additional data are needed to prove that conclusively. Therefore, this variant has been classified as Likely Pathogenic. This variant is located in the A band of TTN (PMID: 25589632). Truncating variants in this region are significantly overrepresented in patients affected with dilated cardiomyopathy (PMID: 25589632). Truncating variants in this region have also been reported in individuals affected with autosomal recessive centronuclear myopathy (PMID: 23975875). This variant is not present in population databases (gnomAD no frequency). This sequence change creates a premature translational stop signal (p.Gln27067*) in the TTN gene. While this is not anticipated to result in nonsense mediated decay, it is expected to create a truncated TTN protein.

Juno Genomics, Hangzhou Juno Genomics, Inc
Classification: Likely pathogenic for Dilated cardiomyopathy 1G. Review status: criteria provided, single submitter. Criteria: ACMG Guidelines, 2015. Collection method: clinical testing. Allele origin: germline.
Comment: Absent from controls (or at extremely low frequency if recessive) in Genome Aggregation Database.;Null variant in a gene where loss of function (LOF) is a known mechanism of disease.

Literature cited by the submitters: PubMed 25589632 (cited by Labcorp Genetics (formerly Invitae), Labcorp); PubMed 23975875 (cited by Labcorp Genetics (formerly Invitae), Labcorp).